The following is an entry in ClinVar:

ClinVar aggregate classification (germline): Likely benign. Review status: criteria provided, multiple submitters, no conflicts (2 of 4 stars). 3 submissions from 3 submitters: Likely benign (2). 1 of the submissions does not count toward it. Last evaluated 2024-10-04.

Conditions:
Osteogenesis imperfecta type 7 (OI7). Also called: OI type 7; OI type VII; OSTEOGENESIS IMPERFECTA, TYPE IIB; Osteogenesis imperfecta type 2B; OI type 2B; Osteogenesis imperfecta, perinatal lethal autosomal recessive. Identifiers: MedGen C1853162, MONDO:0012536, OMIM 610682.
CRTAP-related disorder. Also called: CRTAP-related condition.

Allele frequency attached by ClinVar (database versions not stated): gnomAD 0.00001; gnomAD exomes 0.00002; ExAC 0.00006.
gnomAD v4.1: 36 of 1,614,040 alleles (0.0022%); highest among the groups gnomAD compares: South Asian, 0.021%; no homozygotes.

Submissions (3):

Blueprint Genetics
Classification: Likely benign. Last evaluated: 2024-10-04. Review status: criteria provided, single submitter. Criteria: ACMG Guidelines, 2015. Collection method: clinical testing. Allele origin: germline.

Labcorp Genetics (formerly Invitae), Labcorp
Classification: Likely benign for Osteogenesis imperfecta type 7. Last evaluated: 2024-06-13. Review status: criteria provided, single submitter. Criteria: Invitae Variant Classification Sherloc (09022015). Collection method: clinical testing. Allele origin: germline.

PreventionGenetics, part of Exact Sciences
Classification: Likely benign for CRTAP-related condition. Last evaluated: 2019-02-23. Review status: no assertion criteria provided. Collection method: clinical testing. Allele origin: germline. Not counted in ClinVar's aggregate classification.
Comment: This variant is classified as likely benign based on ACMG/AMP sequence variant interpretation guidelines (Richards et al. 2015 PMID: 25741868, with internal and published modifications).

NM_006371.5(CRTAP):c.954A>C (p.Ala318=)

Gene: CRTAP (cartilage associated protein; plus strand). Cytogenetic location: 3p22.3.
Variant type: single nucleotide variant.
Coding change: c.954A>C on transcript NM_006371.5 (MANE Select); coding-DNA position 954, A replaced by C.
Protein change: p.Ala318=; no amino-acid change (alanine 318 retained).
Molecular consequence: synonymous variant.
Genome position (GRCh38, 1-based): chr3:33,132,586, A>C. VCF-style: chr3-33132586-A-C. GRCh37 (hg19) VCF-style: chr3-33174078-A-C.
Other names: c.954A>C, p.Ala318= (NM_001393363.1); c.825A>C, p.Ala275= (NM_001393364.1); c.804A>C, p.Ala268= (NM_001393365.1).
Identifiers: ClinVar variation 3006692 (VCV003006692.6), dbSNP rs773163098, ClinGen allele CA2300454.